The following is an entry in ClinVar:

ClinVar aggregate classification (germline): Uncertain significance (1 of 4 stars; one submission).

Allele frequency attached by ClinVar (database versions not stated): ExAC 0.00001; gnomAD 0.00001; TOPMed 0.00002; 1000 Genomes Project 30x 0.00016; 1000 Genomes Project 0.00020.

Submission:

Labcorp Genetics (formerly Invitae), Labcorp
Classification: Uncertain significance. Last evaluated: 2022-11-23. Review status: criteria provided, single submitter. Criteria: Invitae Variant Classification Sherloc (09022015). Collection method: clinical testing. Allele origin: germline.
Comment: Advanced modeling of protein sequence and biophysical properties (such as structural, functional, and spatial information, amino acid conservation, physicochemical variation, residue mobility, and thermodynamic stability) has been performed at Invitae for this missense variant, however the output from this modeling did not meet the statistical confidence thresholds required to predict the impact of this variant on STAT4 protein function. This variant is present in population databases (rs3024933, gnomAD 0.003%). This variant has not been reported in the literature in individuals affected with STAT4-related conditions. This sequence change replaces arginine, which is basic and polar, with tryptophan, which is neutral and slightly polar, at codon 584 of the STAT4 protein (p.Arg584Trp). In summary, the available evidence is currently insufficient to determine the role of this variant in disease. Therefore, it has been classified as a Variant of Uncertain Significance.

NM_003151.4(STAT4):c.1750C>T (p.Arg584Trp)

Gene: STAT4 (signal transducer and activator of transcription 4; minus strand). Cytogenetic location: 2q32.2.
Variant type: single nucleotide variant.
Coding change: c.1750C>T on transcript NM_003151.4 (MANE Select); coding-DNA position 1750, C replaced by T.
Protein change: p.Arg584Trp; replaces arginine 584 with tryptophan.
Molecular consequence: missense variant.
Genome position (GRCh38, 1-based): chr2:191,033,592, G>A on the plus strand (C>T on the coding strand, the complement: STAT4 is on the minus strand). VCF-style: chr2-191033592-G-A. GRCh37 (hg19) VCF-style: chr2-191898318-G-A.
Other names: c.1750C>T, p.Arg584Trp (NM_001243835.2); short protein forms R584W.
Identifiers: ClinVar variation 1989013 (VCV001989013.4), dbSNP rs3024933, ClinGen allele CA2030488.
Genomic context (GRCh38, chr2:191,033,592, plus strand): 5'-GATGGCTTTCACTGAATCTTAATAAAAAGGTGCCAGGCATTTTATCCTTTAGCAACAGCC[G>A]TTCCTTCTCTTTGCTAACAAAGCCCATGACATACCTAAAAATAGAACATGCATTATTTCA-3'
Protein context (NP_003142.1, residues 574-594): VMGFVSKEKE[Arg584Trp]LLLKDKMPGT